The following is an entry in ClinVar:

ClinVar aggregate classification (germline): Conflicting classifications of pathogenicity. Review status: criteria provided, conflicting classifications (1 of 4 stars). 3 submissions from 3 submitters: Uncertain significance (2); Likely benign (1). Last evaluated 2026-07-06.

Conditions:
Hereditary cancer-predisposing syndrome. Also called: Neoplastic Syndromes, Hereditary; Hereditary Cancer Syndrome; Hereditary neoplastic syndrome; Tumor predisposition. Identifiers: Orphanet 140162, MedGen C0027672, MeSH D009386, MONDO:0015356.

Submissions (3):

Ambry Genetics
Classification: Uncertain significance for Hereditary cancer-predisposing syndrome. Last evaluated: 2026-07-06. Review status: criteria provided, single submitter. Criteria: Ambry Variant Classification Scheme 2023. Collection method: clinical testing. Allele origin: germline.
Comment: The p.F333C variant (also known as c.998T>G), located in coding exon 9 of the BRCA2 gene, results from a T to G substitution at nucleotide position 998. The phenylalanine at codon 333 is replaced by cysteine, an amino acid with highly dissimilar properties. This amino acid position is conserved. In addition, this alteration is predicted to be tolerated by in silico analysis. Based on the available evidence, the clinical significance of this variant remains unclear.

Color Diagnostics, LLC DBA Color Health
Classification: Uncertain significance for Hereditary cancer-predisposing syndrome. Last evaluated: 2023-12-05. Review status: criteria provided, single submitter. Criteria: ACMG Guidelines, 2015. Collection method: clinical testing. Allele origin: germline.
Comment: This missense variant replaces phenylalanine with cysteine at codon 333 of the BRCA2 protein. Computational prediction suggests that this variant may not impact protein structure and function (internally defined REVEL score threshold <= 0.5, PMID: 27666373). To our knowledge, functional studies have not been reported for this variant. This variant has not been reported in individuals affected with BRCA2-related disorders in the literature. This variant has not been identified in the general population by the Genome Aggregation Database (gnomAD). The available evidence is insufficient to determine the role of this variant in disease conclusively. Therefore, this variant is classified as a Variant of Uncertain Significance.

University of Washington Department of Laboratory Medicine, University of Washington
Classification: Likely benign for Hereditary cancer-predisposing syndrome. Last evaluated: 2023-03-23. Review status: criteria provided, single submitter. Criteria: Dines et al. (Genet Med. 2020). Collection method: curation. Allele origin: germline.
Comment: Missense variant in a coldspot region where missense variants are very unlikely to be pathogenic (PMID:31911673).

BRCA2 exon 10 coldspot. Reclassification based on statistical prior probability.

NM_000059.4(BRCA2):c.998T>G (p.Phe333Cys)

Gene: BRCA2 (BRCA2 DNA repair associated; plus strand). Cytogenetic location: 13q13.1.
Variant type: single nucleotide variant.
Coding change: c.998T>G on transcript NM_000059.4 (MANE Select); coding-DNA position 998, T replaced by G.
Protein change: p.Phe333Cys; replaces phenylalanine 333 with cysteine.
Molecular consequence: missense variant.
Genome position (GRCh38, 1-based): chr13:32,332,476, T>G. VCF-style: chr13-32332476-T-G. GRCh37 (hg19) VCF-style: chr13-32906613-T-G.
Other names: short protein forms F333C.
Identifiers: ClinVar variation 631137 (VCV000631137.8), dbSNP rs781464949, ClinGen allele CA387761034.